The following is an entry in ClinVar:

ClinVar aggregate classification (germline): Uncertain significance. Review status: criteria provided, multiple submitters, no conflicts (2 of 4 stars). 2 submissions from 2 submitters: Uncertain significance (2). Last evaluated 2024-04-06.

Conditions:
Congenital myasthenic syndrome 17. Identifiers: Orphanet 590, MedGen C4225377, MONDO:0014578, OMIM 616304.
Cenani-Lenz syndactyly syndrome. Also called: CENANI SYNDACTYLISM; SYNDACTYLY, TYPE VII. Identifiers: Orphanet 3258, MedGen C1859309, MONDO:0008931, OMIM 212780.
Sclerosteosis 2 (SOST2). Identifiers: Orphanet 3152, MedGen C3280402, MONDO:0013679, OMIM 614305.

Allele frequency attached by ClinVar (database versions not stated): ExAC 0.00003; gnomAD exomes 0.00003; ESP Exome Variant Server 0.00008.
gnomAD v4.1: 35 of 1,614,076 alleles (0.0022%); highest among the groups gnomAD compares: African/African-American, 0.0027%; no homozygotes.

Submissions (2):

Fulgent Genetics
Classification: Uncertain significance for Cenani-Lenz syndactyly syndrome; Sclerosteosis 2; Congenital myasthenic syndrome 17. Last evaluated: 2024-04-06. Review status: criteria provided, single submitter. Criteria: ACMG Guidelines, 2015. Collection method: clinical testing. Allele origin: germline.

Labcorp Genetics (formerly Invitae), Labcorp
Classification: Uncertain significance for Cenani-Lenz syndactyly syndrome; Sclerosteosis 2; Congenital myasthenic syndrome 17. Last evaluated: 2023-10-03. Review status: criteria provided, single submitter. Criteria: Invitae Variant Classification Sherloc (09022015). Collection method: clinical testing. Allele origin: germline.
Comment: This sequence change replaces arginine, which is basic and polar, with histidine, which is basic and polar, at codon 281 of the LRP4 protein (p.Arg281His). This variant is present in population databases (rs146670859, gnomAD 0.007%). This variant has not been reported in the literature in individuals affected with LRP4-related conditions. ClinVar contains an entry for this variant (Variation ID: 1415291). An algorithm developed to predict the effect of missense changes on protein structure and function (PolyPhen-2) suggests that this variant is likely to be disruptive. In summary, the available evidence is currently insufficient to determine the role of this variant in disease. Therefore, it has been classified as a Variant of Uncertain Significance.

NM_002334.4(LRP4):c.842G>A (p.Arg281His)

Gene: LRP4 (LDL receptor related protein 4; minus strand). Cytogenetic location: 11p11.2.
Variant type: single nucleotide variant.
Coding change: c.842G>A on transcript NM_002334.4 (MANE Select); coding-DNA position 842, G replaced by A.
Protein change: p.Arg281His; replaces arginine 281 with histidine.
Molecular consequence: missense variant.
Genome position (GRCh38, 1-based): chr11:46,896,949, C>T on the plus strand (G>A on the coding strand, the complement: LRP4 is on the minus strand). VCF-style: chr11-46896949-C-T. GRCh37 (hg19) VCF-style: chr11-46918500-C-T.
Other names: short protein forms R281H.
Identifiers: ClinVar variation 1415291 (VCV001415291.5), dbSNP rs146670859, ClinGen allele CA5970353.